The following is an entry in ClinVar:

NM_019888.3(MC3R):c.126C>T (p.Pro42=)

Gene: MC3R (melanocortin 3 receptor; plus strand). Cytogenetic location: 20q13.2.
Variant type: single nucleotide variant.
Coding change: c.126C>T on transcript NM_019888.3 (MANE Select); coding-DNA position 126, C replaced by T.
Protein change: p.Pro42=; no amino-acid change (proline 42 retained).
Molecular consequence: synonymous variant.
Genome position (GRCh38, 1-based): chr20:56,248,969, C>T. VCF-style: chr20-56248969-C-T. GRCh37 (hg19) VCF-style: chr20-54824025-C-T.
Identifiers: ClinVar variation 4989066 (VCV004989066.1).

ClinVar aggregate classification (germline): Likely benign (1 of 4 stars; one submission).

Conditions:
MC3R-related disorder. Also called: MC3R-related condition.

Submission:

PreventionGenetics, part of Exact Sciences
Classification: Likely benign for MC3R-related condition. Last evaluated: 2024-12-30. Review status: criteria provided, single submitter. Criteria: ACMG Guidelines, 2015. Collection method: clinical testing. Allele origin: germline.
Comment: This variant is classified as likely benign based on ACMG/AMP sequence variant interpretation guidelines (Richards et al. 2015 PMID: 25741868, with internal and published modifications).